The following is an entry in ClinVar:

NM_006267.5(RANBP2):c.4177A>G (p.Thr1393Ala)

Gene: RANBP2 (RAN binding protein 2; plus strand). Cytogenetic location: 2q13.
Variant type: single nucleotide variant.
Coding change: c.4177A>G on transcript NM_006267.5 (MANE Select); coding-DNA position 4177, A replaced by G.
Protein change: p.Thr1393Ala; replaces threonine 1393 with alanine.
Molecular consequence: missense variant.
Genome position (GRCh38, 1-based): chr2:108,764,716, A>G. VCF-style: chr2-108764716-A-G. GRCh37 (hg19) VCF-style: chr2-109381172-A-G.
Other names: short protein forms T1393A.
Identifiers: ClinVar variation 565545 (VCV000565545.8), dbSNP rs755907947, ClinGen allele CA1823059.

ClinVar aggregate classification (germline): Uncertain significance. Review status: criteria provided, multiple submitters, no conflicts (2 of 4 stars). 2 submissions from 2 submitters: Uncertain significance (2). Last evaluated 2023-12-09.

Conditions:
Familial acute necrotizing encephalopathy (IIAE3). Also called: ENCEPHALOPATHY, ACUTE, INFECTION-INDUCED, SUSCEPTIBILITY TO, 3; Susceptibility to Acute Necrotizing Encephalopathy 1. Identifiers: Orphanet 88619, MedGen C2675556, MONDO:0011953, OMIM 608033.

Allele frequency attached by ClinVar (database versions not stated): gnomAD 0.00001; gnomAD exomes 0.00001; ExAC 0.00002; TOPMed 0.00004.
gnomAD v4.1: 4 of 1,613,882 alleles (0.00025%); highest among the groups gnomAD compares: Admixed American, 0.005%; no homozygotes.

Submissions (2):

Ambry Genetics
Classification: Uncertain significance. Last evaluated: 2023-12-09. Review status: criteria provided, single submitter. Criteria: Ambry Variant Classification Scheme 2023. Collection method: clinical testing. Allele origin: germline.

Labcorp Genetics (formerly Invitae), Labcorp
Classification: Uncertain significance for Familial acute necrotizing encephalopathy. Last evaluated: 2021-09-02. Review status: criteria provided, single submitter. Criteria: Invitae Variant Classification Sherloc (09022015). Collection method: clinical testing. Allele origin: germline.
Comment: This sequence change replaces threonine with alanine at codon 1393 of the RANBP2 protein (p.Thr1393Ala). The threonine residue is weakly conserved and there is a small physicochemical difference between threonine and alanine. This variant is present in population databases (rs755907947, ExAC 0.009%). This variant has not been reported in the literature in individuals affected with RANBP2-related conditions. Algorithms developed to predict the effect of missense changes on protein structure and function (SIFT, PolyPhen-2, Align-GVGD) all suggest that this variant is likely to be tolerated. In summary, the available evidence is currently insufficient to determine the role of this variant in disease. Therefore, it has been classified as a Variant of Uncertain Significance.